The following is an entry in ClinVar:

NM_001330078.2(NRXN1):c.4286G>A (p.Ser1429Asn)

Gene: NRXN1 (neurexin 1; minus strand). Cytogenetic location: 2p16.3.
Variant type: single nucleotide variant.
Coding change: c.4286G>A on transcript NM_001330078.2 (MANE Select); coding-DNA position 4286, G replaced by A.
Protein change: p.Ser1429Asn; replaces serine 1429 with asparagine.
Molecular consequence: missense variant.
Genome position (GRCh38, 1-based): chr2:49,922,182, C>T on the plus strand (G>A on the coding strand, the complement: NRXN1 is on the minus strand). VCF-style: chr2-49922182-C-T. GRCh37 (hg19) VCF-style: chr2-50149320-C-T.
Other names: c.4406G>A, p.Ser1469Asn (NM_001135659.3); c.4106G>A, p.Ser1369Asn (NM_001330088.2); c.1172G>A, p.Ser391Asn (NM_001330091.2); c.1181G>A, p.Ser394Asn (NM_001330092.2); c.4283G>A, p.Ser1428Asn (NM_001330093.2); c.4265G>A, p.Ser1422Asn (NM_001330094.2); c.4145G>A, p.Ser1382Asn (NM_001330095.2); c.4076G>A, p.Ser1359Asn (NM_001330096.2); and 13 more; short protein forms S1362N, S1421N, S1422N, S1428N, S1359N, S1399N, S1407N, S1426N.
Identifiers: ClinVar variation 1357775 (VCV001357775.9), dbSNP rs2103998640, ClinGen allele CA346818683.

ClinVar aggregate classification (germline): Uncertain significance. Review status: criteria provided, multiple submitters, no conflicts (2 of 4 stars). 2 submissions from 2 submitters: Uncertain significance (2). Last evaluated 2026-06-24.

Conditions:
Inborn genetic diseases. Identifiers: MedGen C0950123, MeSH D030342.
Pitt-Hopkins-like syndrome 2 (PTHSL2). Identifiers: Orphanet 221150, Orphanet 600663, MedGen C3280479, MONDO:0013690, OMIM 614325.

Allele frequency attached by ClinVar (database versions not stated): gnomAD exomes below 0.00001.
gnomAD v4.1: 5 of 1,614,174 alleles (0.00031%); highest among the groups gnomAD compares: Non-Finnish European, 0.00042%; no homozygotes.

Submissions (2):

Ambry Genetics
Classification: Uncertain significance for Inborn genetic diseases. Last evaluated: 2026-06-24. Review status: criteria provided, single submitter. Criteria: Ambry Variant Classification Scheme 2023. Collection method: clinical testing. Allele origin: germline.

Labcorp Genetics (formerly Invitae), Labcorp
Classification: Uncertain significance for Pitt-Hopkins-like syndrome 2. Last evaluated: 2023-11-01. Review status: criteria provided, single submitter. Criteria: Invitae Variant Classification Sherloc (09022015). Collection method: clinical testing. Allele origin: germline.
Comment: This sequence change replaces serine, which is neutral and polar, with asparagine, which is neutral and polar, at codon 1469 of the NRXN1 protein (p.Ser1469Asn). This variant is not present in population databases (gnomAD no frequency). This variant has not been reported in the literature in individuals affected with NRXN1-related conditions. ClinVar contains an entry for this variant (Variation ID: 1357775). Advanced modeling of protein sequence and biophysical properties (such as structural, functional, and spatial information, amino acid conservation, physicochemical variation, residue mobility, and thermodynamic stability) performed at Invitae indicates that this missense variant is not expected to disrupt NRXN1 protein function with a negative predictive value of 80%. In summary, the available evidence is currently insufficient to determine the role of this variant in disease. Therefore, it has been classified as a Variant of Uncertain Significance.